The following is an entry in ClinVar:

NM_001267550.2(TTN):c.16130A>T (p.Asp5377Val)

Gene: TTN (titin; minus strand). Cytogenetic location: 2q31.2.
Variant type: single nucleotide variant.
Coding change: c.16130A>T on transcript NM_001267550.2 (MANE Select); coding-DNA position 16130, A replaced by T.
Protein change: p.Asp5377Val; replaces aspartic acid 5377 with valine.
Molecular consequence: missense variant. On other transcripts: intron variant (3).
Genome position (GRCh38, 1-based): chr2:178,733,046, T>A on the plus strand (A>T on the coding strand, the complement: TTN is on the minus strand). VCF-style: chr2-178733046-T-A. GRCh37 (hg19) VCF-style: chr2-179597773-T-A.
Other names: c.15179A>T, p.Asp5060Val (NM_001256850.1); c.12398A>T, p.Asp4133Val (NM_133378.4); c.13282+5036A>T (NM_003319.4); c.13858+5036A>T (NM_133437.4); c.13657+5036A>T (NM_133432.3); short protein forms D4133V, D5060V, D5377V.
Identifiers: ClinVar variation 4820385 (VCV004820385.1).
Genomic context (GRCh38, chr2:178,733,046, plus strand): 5'-ATTTCTTTGCCATCCTTAAACCAGGACACCCTCATGGGGAGGGAGCCTGCAATTTTGCAG[T>A]CCAGTCTGCAGGTACCATTAACAACACTATCCACGTTGCGCAAGGGTTTGGTAAAAAATG-3'
Protein context (NP_001254479.2, residues 5367-5387): DSVVNGTCRL[Asp5377Val]CKIAGSLPMR

ClinVar aggregate classification (germline): Likely benign (1 of 4 stars; one submission).

gnomAD v4.1: 1 of 1,613,368 alleles (0.000062%); highest among the groups gnomAD compares: Non-Finnish European, 0.000085%; no homozygotes.

Submission:

Molecular Diagnostic Laboratory for Inherited Cardiovascular Disease, Montreal Heart Institute
Classification: Likely benign. Last evaluated: 2026-03-27. Review status: criteria provided, single submitter. Criteria: ACMG Guidelines, 2015. Collection method: clinical testing. Allele origin: germline. Affected: no.
Comment: BP1